The following is an entry in ClinVar:

ClinVar aggregate classification (germline): Pathogenic/Likely pathogenic. Review status: criteria provided, multiple submitters, no conflicts (2 of 4 stars). 5 submissions from 5 submitters: Pathogenic (2); Likely pathogenic (3). Last evaluated 2025-09-16.

Conditions:
PEX1-related disorder. Also called: PEX1-related condition.
Peroxisome biogenesis disorder. Identifiers: Orphanet 79189, MedGen C1832200, MONDO:0019234. Disease mechanism: loss of function.
Zellweger spectrum disorders (ZS). Also called: Zellweger Spectrum; Zellweger syndrome; Zellweger Spectrum Disorder (ZSD); Zellweger Spectrum Disorder. Identifiers: Orphanet 912, MedGen C0043459, MONDO:0019609.

Submissions (5):

Natera, Inc.
Classification: Pathogenic for Zellweger syndrome. Last evaluated: 2025-09-16. Review status: criteria provided, single submitter. Criteria: Natera Variant Classification Schema (03/2026). Collection method: clinical testing. Allele origin: germline.
Comment: The c.1900+2T>C variant in PEX1 is a canonical splice donor site variant predicted to affect pre-mRNA splicing, which may result in an abnormal transcript and altered protein product. This variant is expected to result in nonsense mediated decay, truncation, or a dysfunctional protein product. This variant is rare in the general population with a frequency below the threshold expected for the associated phenotype(s). This variant has been observed in one or more individuals affected with the associated recessive disease, as either homozygous or compound heterozygous with a second variant (PMID: 19105186). Given the available evidence, this variant is classified as Pathogenic.

Blueprint Genetics
Classification: Likely pathogenic for PEX1-related disorders. Last evaluated: 2022-08-25. Review status: criteria provided, single submitter. Criteria: ACMG Guidelines, 2015. Collection method: clinical testing. Allele origin: germline. Affected: yes. Observed: 1 variant allele.

Labcorp Genetics (formerly Invitae), Labcorp
Classification: Likely pathogenic for Zellweger spectrum disorders. Last evaluated: 2022-04-24. Review status: criteria provided, single submitter. Criteria: Invitae Variant Classification Sherloc (09022015). Collection method: clinical testing. Allele origin: germline.
Comment: In summary, the currently available evidence indicates that the variant is pathogenic, but additional data are needed to prove that conclusively. Therefore, this variant has been classified as Likely Pathogenic. Algorithms developed to predict the effect of sequence changes on RNA splicing suggest that this variant may disrupt the consensus splice site. ClinVar contains an entry for this variant (Variation ID: 632940). Disruption of this splice site has been observed in individual(s) with Zellweger spectrum disorder (PMID: 19105186). This variant is not present in population databases (gnomAD no frequency). This sequence change affects a donor splice site in intron 11 of the PEX1 gene. It is expected to disrupt RNA splicing. Variants that disrupt the donor or acceptor splice site typically lead to a loss of protein function (PMID: 16199547), and loss-of-function variants in PEX1 are known to be pathogenic (PMID: 9398847, 16086329, 16141001, 21031596, 26387595, 31831025).

GeneDx
Classification: Pathogenic. Last evaluated: 2021-01-11. Review status: criteria provided, single submitter. Criteria: GeneDx Variant Classification Process June 2021. Collection method: clinical testing. Allele origin: germline. Affected: yes.
Comment: Canonical splice site variant in a gene for which loss-of-function is a known mechanism of disease; Reported in a patient with Zellweger syndrome who also harbored a frameshift variant in the PEX1 gene (Yik et al., 2009); Not observed in large population cohorts (Lek et al., 2016); This variant is associated with the following publications: (PMID: 19105186, 25525159)

Women's Health and Genetics/Laboratory Corporation of America, LabCorp
Classification: Likely pathogenic for Peroxisome biogenesis disorders, Zellweger syndrome spectrum. Last evaluated: 2018-12-14. Review status: criteria provided, single submitter. Criteria: LabCorp Variant Classification Summary - May 2015. Collection method: clinical testing. Allele origin: germline.
Comment: Variant summary: PEX1 c.1900+2T>C is located in a canonical splice-site and is predicted to affect mRNA splicing resulting in a significantly altered protein due to either exon skipping, shortening, or inclusion of intronic material. Several computational tools predict a significant impact on normal splicing: Four predict the variant abolishes a 5 splicing donor site. However, these predictions have yet to be confirmed by functional studies. The variant was absent in 245962 control chromosomes. c.1900+2T>C has been reported in the literature in individuals affected with Zellweger Syndrome (Yik_PEX1_Hum Mutat_2009). To our knowledge, no experimental evidence demonstrating an impact on protein function has been reported. No clinical diagnostic laboratories have submitted clinical-significance assessments for this variant to ClinVar after 2014. Based on the evidence outlined above, the variant was classified as likely pathogenic.

Literature cited by the submitters: PubMed 19105186 (cited by 3 submitters); PubMed 16199547 (cited by Labcorp Genetics (formerly Invitae), Labcorp); PubMed 9398847 (cited by Labcorp Genetics (formerly Invitae), Labcorp); PubMed 16086329 (cited by Labcorp Genetics (formerly Invitae), Labcorp); PubMed 16141001 (cited by Labcorp Genetics (formerly Invitae), Labcorp); PubMed 21031596 (cited by Labcorp Genetics (formerly Invitae), Labcorp); PubMed 26387595 (cited by Labcorp Genetics (formerly Invitae), Labcorp); PubMed 31831025 (cited by Labcorp Genetics (formerly Invitae), Labcorp).

NM_000466.3(PEX1):c.1900+2T>C

Gene: PEX1 (peroxisomal biogenesis factor 1; minus strand). Cytogenetic location: 7q21.2.
Variant type: single nucleotide variant.
Coding change: c.1900+2T>C on transcript NM_000466.3 (MANE Select); the canonical splice donor site of the intron after coding-DNA position 1900, T replaced by C.
Molecular consequence: splice donor variant.
Genome position (GRCh38, 1-based): chr7:92,506,246, A>G on the plus strand (T>C on the coding strand, the complement: PEX1 is on the minus strand). VCF-style: chr7-92506246-A-G. GRCh37 (hg19) VCF-style: chr7-92135560-A-G.
Other names: c.1900+2T>C (NM_001282677.2); c.1276+2T>C (NM_001282678.2).
Identifiers: ClinVar variation 632940 (VCV000632940.15), dbSNP rs1562857198, ClinGen allele CA368184509.